The following is an entry in ClinVar:

ClinVar aggregate classification (germline): Uncertain significance (1 of 4 stars; one submission).

Conditions:
Developmental and epileptic encephalopathy, 36 (DEE36). Also called: Congenital disorder of glycosylation, type Is; ALG13-CDG; Epileptic encephalopathy, early infantile, 36. Identifiers: Orphanet 324422, MedGen C4317295, MONDO:0010472, OMIM 300884.

Submission:

Labcorp Genetics (formerly Invitae), Labcorp
Classification: Uncertain significance for Developmental and epileptic encephalopathy, 36. Last evaluated: 2025-01-19. Review status: criteria provided, single submitter. Criteria: Invitae Variant Classification Sherloc (09022015). Collection method: clinical testing. Allele origin: germline.
Comment: This sequence change replaces valine, which is neutral and non-polar, with glutamic acid, which is acidic and polar, at codon 98 of the ALG13 protein (p.Val98Glu). This variant is not present in population databases (gnomAD no frequency). This variant has not been reported in the literature in individuals affected with ALG13-related conditions. Invitae Evidence Modeling of protein sequence and biophysical properties (such as structural, functional, and spatial information, amino acid conservation, physicochemical variation, residue mobility, and thermodynamic stability) has been performed for this missense variant. However, the output from this modeling did not meet the statistical confidence thresholds required to predict the impact of this variant on ALG13 protein function. In summary, the available evidence is currently insufficient to determine the role of this variant in disease. Therefore, it has been classified as a Variant of Uncertain Significance.

NM_001099922.3(ALG13):c.293T>A (p.Val98Glu)

Gene: ALG13 (ALG13 UDP-N-acetylglucosaminyltransferase subunit; plus strand). Cytogenetic location: Xq23.
Variant type: single nucleotide variant.
Coding change: c.293T>A on transcript NM_001099922.3 (MANE Select); coding-DNA position 293, T replaced by A.
Protein change: p.Val98Glu; replaces valine 98 with glutamic acid.
Molecular consequence: missense variant. On other transcripts: 5 prime UTR variant (9), non-coding transcript variant (3).
Genome position (GRCh38, 1-based): chrX:111,685,013, T>A. VCF-style: chrX-111685013-T-A. GRCh37 (hg19) VCF-style: chrX-110928241-T-A.
Other names: c.234T>A, p.Ser78Arg (NM_001039210.5); c.293T>A, p.Val98Glu (NM_001168385.3, NM_001324292.2, NM_018466.6); c.-20T>A (NM_001257230.2, NM_001257234.2, NM_001257235.3 and 6 more transcripts); c.59T>A, p.Val20Glu (NM_001257231.2, NM_001257241.3); c.299T>A, p.Val100Glu (NM_001324290.2); short protein forms V100E, V20E, S78R, V98E.
Identifiers: ClinVar variation 3720617 (VCV003720617.2).